The following is an entry in ClinVar:

ClinVar aggregate classification (germline): Uncertain significance (1 of 4 stars; one submission).

Conditions:
Deficiency of alpha-mannosidase (MANSA). Also called: LYSOSOMAL ALPHA-D-MANNOSIDASE DEFICIENCY; Mannosidosis, alpha-, types I and II; Alpha-Mannosidosis. Identifiers: Orphanet 61, MedGen C0024748, MONDO:0009561, OMIM 248500.

Allele frequency attached by ClinVar (database versions not stated): ExAC 0.00001; gnomAD exomes 0.00002; gnomAD 0.00003 and 0.00004; TOPMed 0.00004.
gnomAD v4.1: 38 of 1,596,122 alleles (0.0024%); highest among the groups gnomAD compares: Admixed American, 0.0083%; no homozygotes.

Submission:

Labcorp Genetics (formerly Invitae), Labcorp
Classification: Uncertain significance for Deficiency of alpha-mannosidase. Last evaluated: 2022-06-13. Review status: criteria provided, single submitter. Criteria: Invitae Variant Classification Sherloc (09022015). Collection method: clinical testing. Allele origin: germline.
Comment: This sequence change falls in intron 12 of the MAN2B1 gene. It does not directly change the encoded amino acid sequence of the MAN2B1 protein. It affects a nucleotide within the consensus splice site. This variant is present in population databases (rs752895909, gnomAD 0.003%). This variant has not been reported in the literature in individuals affected with MAN2B1-related conditions. Variants that disrupt the consensus splice site are a relatively common cause of aberrant splicing (PMID: 17576681, 9536098). Algorithms developed to predict the effect of sequence changes on RNA splicing suggest that this variant may create or strengthen a splice site. In summary, the available evidence is currently insufficient to determine the role of this variant in disease. Therefore, it has been classified as a Variant of Uncertain Significance.

Literature cited by the submitters: PubMed 17576681; PubMed 9536098.

NM_000528.4(MAN2B1):c.1528-3C>A

Gene: MAN2B1 (mannosidase alpha class 2B member 1; minus strand). Cytogenetic location: 19p13.13.
Variant type: single nucleotide variant.
Coding change: c.1528-3C>A on transcript NM_000528.4 (MANE Select); 3 bases into the intron before coding-DNA position 1528, C replaced by A.
Molecular consequence: intron variant.
Genome position (GRCh38, 1-based): chr19:12,656,690, G>T on the plus strand (C>A on the coding strand, the complement: MAN2B1 is on the minus strand). VCF-style: chr19-12656690-G-T. GRCh37 (hg19) VCF-style: chr19-12767504-G-T.
Other names: c.1525-3C>A (NM_001173498.2).
Identifiers: ClinVar variation 1363028 (VCV001363028.3), dbSNP rs752895909, ClinGen allele CA9226397.